The following is an entry in ClinVar:

ClinVar aggregate classification (germline): Benign/Likely benign. Review status: criteria provided, multiple submitters, no conflicts (2 of 4 stars). 4 submissions from 4 submitters: Benign (1); Likely benign (3). Last evaluated 2024-07-03.

Conditions:
Hereditary cancer-predisposing syndrome. Also called: Hereditary Cancer Syndrome; Hereditary neoplastic syndrome; Neoplastic Syndromes, Hereditary; Tumor predisposition. Identifiers: Orphanet 140162, MedGen C0027672, MeSH D009386, MONDO:0015356.
Familial cancer of breast. Also called: hereditary breast carcinoma; BREAST CANCER, FAMILIAL; Hereditary breast cancer. Identifiers: Orphanet 227535, MedGen C0346153, MONDO:0016419, OMIM 114480. Disease mechanism: loss of function.
Ataxia-telangiectasia syndrome (AT). Also called: Ataxia-telangiectasia, complementation group E; LOUIS-BAR SYNDROME; Cerebello-oculocutaneous telangiectasia; Immunodeficiency with ataxia telangiectasia; Ataxia-telangiectasia, complementation group D; AT, COMPLEMENTATION GROUP C. Identifiers: Orphanet 100, MedGen C0004135, MONDO:0008840, OMIM 208900.

Allele frequency attached by ClinVar (database versions not stated): gnomAD exomes below 0.00001.
gnomAD v4.1: 1 of 1,613,624 alleles (0.000062%); highest among the groups gnomAD compares: Non-Finnish European, 0.000085%; no homozygotes.

Submissions (4):

Labcorp Genetics (formerly Invitae), Labcorp
Classification: Likely benign for Ataxia-telangiectasia syndrome. Last evaluated: 2024-07-03. Review status: criteria provided, single submitter. Criteria: Invitae Variant Classification Sherloc (09022015). Collection method: clinical testing. Allele origin: germline.

Myriad Genetics, Inc.
Classification: Benign for Familial cancer of breast. Last evaluated: 2024-04-18. Review status: criteria provided, single submitter. Criteria: Myriad Autosomal Dominant, Autosomal Recessive and X-Linked Classification Criteria (2023). Collection method: clinical testing. Allele origin: unknown.
Comment: This variant is considered benign. This variant is a silent/synonymous amino acid change and it is not expected to impact splicing.

Ambry Genetics
Classification: Likely benign for Hereditary cancer-predisposing syndrome. Last evaluated: 2024-04-14. Review status: criteria provided, single submitter. Criteria: Ambry Variant Classification Scheme 2023. Collection method: clinical testing. Allele origin: germline.

Color Diagnostics, LLC DBA Color Health
Classification: Likely benign for Hereditary cancer-predisposing syndrome. Last evaluated: 2019-08-27. Review status: criteria provided, single submitter. Criteria: ACMG Guidelines, 2015. Collection method: clinical testing. Allele origin: germline.

NM_000051.4(ATM):c.270G>A (p.Arg90=)

Gene: ATM (ATM serine/threonine kinase; plus strand). Cytogenetic location: 11q22.3.
Variant type: single nucleotide variant.
Coding change: c.270G>A on transcript NM_000051.4 (MANE Select); coding-DNA position 270, G replaced by A.
Protein change: p.Arg90=; no amino-acid change (arginine 90 retained).
Molecular consequence: synonymous variant.
Genome position (GRCh38, 1-based): chr11:108,229,262, G>A. VCF-style: chr11-108229262-G-A. GRCh37 (hg19) VCF-style: chr11-108099989-G-A.
Other names: c.270G>A, p.Arg90= (NM_001351834.2, NM_001351835.2, NM_001351836.2).
Identifiers: ClinVar variation 918418 (VCV000918418.13), dbSNP rs1313014736, ClinGen allele CA476668267.